The following is an entry in ClinVar:

NM_000369.5(TSHR):c.170+10C>T

Genes: CEP128 (centrosomal protein 128; minus strand), TSHR (thyroid stimulating hormone receptor; plus strand). Cytogenetic location: 14q31.1.
Variant type: single nucleotide variant.
Coding change: c.170+10C>T on transcript NM_000369.5 (MANE Select); 10 bases into the intron after coding-DNA position 170, C replaced by T.
Molecular consequence: intron variant.
Genome position (GRCh38, 1-based): chr14:80,955,860, C>T. VCF-style: chr14-80955860-C-T. GRCh37 (hg19) VCF-style: chr14-81422204-C-T.
Other names: c.170+10C>T (NM_001142626.3, NM_001018036.3).
Identifiers: ClinVar variation 742156 (VCV000742156.7), dbSNP rs139670361, ClinGen allele CA7294002.

ClinVar aggregate classification (germline): Likely benign. Review status: criteria provided, multiple submitters, no conflicts (2 of 4 stars). 2 submissions from 2 submitters: Likely benign (2). Last evaluated 2023-12-14.

Allele frequency attached by ClinVar (database versions not stated): gnomAD exomes 0.00001 and 0.00002; gnomAD 0.00003 and 0.00001; TOPMed below 0.00001; ExAC 0.00001; 1000 Genomes Project 30x 0.00016; 1000 Genomes Project 0.00020.
gnomAD v4.1: 17 of 1,614,044 alleles (0.0011%); highest among the groups gnomAD compares: Admixed American, 0.0017%; no homozygotes.

Submissions (2):

Labcorp Genetics (formerly Invitae), Labcorp
Classification: Likely benign. Last evaluated: 2023-12-14. Review status: criteria provided, single submitter. Criteria: Invitae Variant Classification Sherloc (09022015). Collection method: clinical testing. Allele origin: germline.

Women's Health and Genetics/Laboratory Corporation of America, LabCorp
Classification: Likely benign. Last evaluated: 2023-11-15. Review status: criteria provided, single submitter. Criteria: LabCorp Variant Classification Summary - May 2015. Collection method: clinical testing. Allele origin: germline.
Comment: Variant summary: TSHR c.170+10C>T alters a conserved nucleotide located at a position not widely known to affect splicing. Consensus agreement among computation tools predict no significant impact on normal splicing. However, these predictions have yet to be confirmed by functional studies. The variant allele was found at a frequency of 2e-05 in 248934 control chromosomes (gnomAD). The available data on variant occurrences in the general population are insufficient to allow any conclusion about variant significance. To our knowledge, no occurrence of c.170+10C>T in individuals affected with Hypothyroidism Due To TSH Receptor Mutations and no experimental evidence demonstrating its impact on protein function have been reported. One submitter has cited a clinical-significance assessment for this variant to ClinVar after 2014 and has classified the variant as likely benign. Based on the evidence outlined above, the variant was classified as likely benign.